The following is an entry in ClinVar:

NM_018946.4(NANS):c.293T>C (p.Leu98Pro)

Genes: NANS (N-acetylneuraminate synthase; plus strand), TRIM14 (tripartite motif containing 14; minus strand). Cytogenetic location: 9q22.33.
Variant type: single nucleotide variant.
Coding change: c.293T>C on transcript NM_018946.4 (MANE Select); coding-DNA position 293, T replaced by C.
Protein change: p.Leu98Pro; replaces leucine 98 with proline.
Molecular consequence: missense variant.
Genome position (GRCh38, 1-based): chr9:98,060,942, T>C. VCF-style: chr9-98060942-T-C. GRCh37 (hg19) VCF-style: chr9-100823224-T-C.
Other names: short protein forms L98P.
Identifiers: ClinVar variation 4778630 (VCV004778630.1).

ClinVar aggregate classification (germline): Uncertain significance (1 of 4 stars; one submission).

Submission:

Labcorp Genetics (formerly Invitae), Labcorp
Classification: Uncertain significance. Last evaluated: 2025-11-05. Review status: criteria provided, single submitter. Criteria: Invitae Variant Classification Sherloc (09022015). Collection method: clinical testing. Allele origin: germline.
Comment: This sequence change replaces leucine, which is neutral and non-polar, with proline, which is neutral and non-polar, at codon 98 of the NANS protein (p.Leu98Pro). This variant is not present in population databases (gnomAD no frequency). This variant has not been reported in the literature in individuals affected with NANS-related conditions. An algorithm developed to predict the effect of missense changes on protein structure and function (PolyPhen-2) suggests that this variant is likely to be disruptive. In summary, the available evidence is currently insufficient to determine the role of this variant in disease. Therefore, it has been classified as a Variant of Uncertain Significance.